The following is an entry in ClinVar:

ClinVar aggregate classification (germline): Uncertain significance (1 of 4 stars; one submission).

Conditions:
Nemaline myopathy 2 (NEM2). Also called: Nemaline myopathy 2, autosomal recessive. Identifiers: MedGen C1850569, MONDO:0009725, OMIM 256030.

Submission:

Labcorp Genetics (formerly Invitae), Labcorp
Classification: Uncertain significance for Nemaline myopathy 2. Last evaluated: 2025-12-28. Review status: criteria provided, single submitter. Criteria: Invitae Variant Classification Sherloc (09022015). Collection method: clinical testing. Allele origin: germline.
Comment: This sequence change replaces leucine, which is neutral and non-polar, with histidine, which is basic and polar, at codon 2416 of the NEB protein (p.Leu2416His). This variant is not present in population databases (gnomAD no frequency). This variant has not been reported in the literature in individuals affected with NEB-related conditions. Experimental studies and prediction algorithms are not available or were not evaluated, and the functional significance of this variant is currently unknown. In summary, the available evidence is currently insufficient to determine the role of this variant in disease. Therefore, it has been classified as a Variant of Uncertain Significance.

NM_001164508.2(NEB):c.7247T>A (p.Leu2416His)

Gene: NEB (nebulin; minus strand). Cytogenetic location: 2q23.3.
Variant type: single nucleotide variant.
Coding change: c.7247T>A on transcript NM_001164508.2 (MANE Select); coding-DNA position 7247, T replaced by A.
Protein change: p.Leu2416His; replaces leucine 2416 with histidine.
Molecular consequence: missense variant.
Genome position (GRCh38, 1-based): chr2:151,650,360, A>T on the plus strand (T>A on the coding strand, the complement: NEB is on the minus strand). VCF-style: chr2-151650360-A-T. GRCh37 (hg19) VCF-style: chr2-152506874-A-T.
Other names: c.7247T>A, p.Leu2416His (NM_001164507.2, NM_001271208.2, NM_004543.5); short protein forms L2416H.
Identifiers: ClinVar variation 4700446 (VCV004700446.1).